The following is an entry in ClinVar:

ClinVar aggregate classification (germline): Uncertain significance (1 of 4 stars; one submission).

Conditions:
VCAN-related disorder. Also called: VCAN-related condition.

Submission:

PreventionGenetics, part of Exact Sciences
Classification: Uncertain significance for VCAN-related condition. Last evaluated: 2025-03-14. Review status: criteria provided, single submitter. Criteria: ACMG Guidelines, 2015. Collection method: clinical testing. Allele origin: germline.
Comment: The VCAN c.8321_8323delTAG variant is predicted to result in an in-frame deletion (p.Val2774del). To our knowledge, this variant has not been reported in the literature or in a large population database (gnomAD), indicating this variant is rare. At this time, the clinical significance of this variant is uncertain due to the absence of conclusive functional and genetic evidence.

NM_004385.5(VCAN):c.8318TAG[1] (p.Val2774del)

Genes: VCAN (versican; plus strand), VCAN-AS1 (VCAN antisense RNA 1; minus strand). Cytogenetic location: 5q14.3.
Variant type: Microsatellite.
Coding change: c.8318TAG[1] on transcript NM_004385.5 (MANE Select); one copy of the 3-base unit TAG starting at c.8318; the reference has two copies in a row; one copy, 3 bases deleted.
Protein change: p.Val2774del; deletes valine 2774.
Molecular consequence: inframe deletion. On other transcripts: intron variant (2).
Genome position (GRCh38, 1-based): chr5:83,541,324-83,541,326, TAG deleted; deleting any 3 consecutive bases within chr5:83,541,321-83,541,326 gives the same sequence; the position shown is the placement nearest the transcript's 3' end. VCF-style (leftmost placement, unchanged base first): chr5-83541320-TTAG-T. GRCh37 (hg19) VCF-style: chr5-82837139-TTAG-T.
Other names: c.5357TAG[1], p.Val1787del (NM_001164097.2); c.4004-4213_4004-4211del (NM_001164098.2); c.1043-4213_1043-4211del (NM_001126336.3); short protein forms V2774del, V1787del.
Identifiers: ClinVar variation 4988189 (VCV004988189.1).